The following is an entry in ClinVar:

ClinVar aggregate classification (germline): Benign. Review status: criteria provided, multiple submitters, no conflicts (2 of 4 stars). 3 submissions from 3 submitters: Benign (3). Last evaluated 2026-09-01.

Allele frequency attached by ClinVar (database versions not stated): 1000 Genomes Project 30x 0.00422; 1000 Genomes Project 0.00459; ESP Exome Variant Server 0.00592.
gnomAD v4.1: 15,702 of 1,595,916 alleles (0.98%); highest among the groups gnomAD compares: Non-Finnish European, 1.1%; 123 homozygotes.

Submissions (3):

CeGaT Center for Human Genetics Tuebingen
Classification: Benign. Last evaluated: 2026-09-01. Review status: criteria provided, single submitter. Criteria: CeGaT Center For Human Genetics Tuebingen Variant Classification Criteria Version 2. Collection method: clinical testing. Allele origin: germline. Affected: yes. Observed: 4 variant alleles.
Comment: ATOH7: BS1, BS2

Labcorp Genetics (formerly Invitae), Labcorp
Classification: Benign. Last evaluated: 2026-02-02. Review status: criteria provided, single submitter. Criteria: Invitae Variant Classification Sherloc (09022015). Collection method: clinical testing. Allele origin: germline.

Breakthrough Genomics
Classification: Benign. Review status: criteria provided, single submitter. Criteria: ACMG Guidelines, 2015. Collection method: not provided. Allele origin: germline. Inheritance: Autosomal recessive inheritance. Affected: yes.

NM_145178.4(ATOH7):c.193A>G (p.Arg65Gly)

Gene: ATOH7 (atonal bHLH transcription factor 7; minus strand). Cytogenetic location: 10q21.3.
Variant type: single nucleotide variant.
Coding change: c.193A>G on transcript NM_145178.4 (MANE Select); coding-DNA position 193, A replaced by G.
Protein change: p.Arg65Gly; replaces arginine 65 with glycine.
Molecular consequence: missense variant.
Genome position (GRCh38, 1-based): chr10:68,231,485, T>C on the plus strand (A>G on the coding strand, the complement: ATOH7 is on the minus strand). VCF-style: chr10-68231485-T-C. GRCh37 (hg19) VCF-style: chr10-69991242-T-C.
Other names: short protein forms R65G.
Identifiers: ClinVar variation 1169396 (VCV001169396.34), dbSNP rs111699024, ClinGen allele CA5523366.